The following is an entry in ClinVar:

NM_005188.4(CBL):c.1320C>T (p.Gly440=)

Gene: CBL (Cbl proto-oncogene; plus strand). Cytogenetic location: 11q23.3.
Variant type: single nucleotide variant.
Coding change: c.1320C>T on transcript NM_005188.4 (MANE Select); coding-DNA position 1320, C replaced by T.
Protein change: p.Gly440=; no amino-acid change (glycine 440 retained).
Molecular consequence: synonymous variant.
Genome position (GRCh38, 1-based): chr11:119,278,602, C>T. VCF-style: chr11-119278602-C-T. GRCh37 (hg19) VCF-style: chr11-119149312-C-T.
Other names: c.1320C>T (NM_005188.3, NM_005188.2).
Identifiers: ClinVar variation 199104 (VCV000199104.15), dbSNP rs794727972, ClinGen allele CA248119.

ClinVar aggregate classification (germline): Conflicting classifications of pathogenicity. Review status: criteria provided, conflicting classifications (1 of 4 stars). 4 submissions from 4 submitters: Uncertain significance (1); Likely benign (2). 1 of the submissions does not count toward it. Last evaluated 2025-08-11.

Conditions:
CBL-related disorder. Also called: CBL MUTATION-ASSOCIATED SYNDROME; CBL SYNDROME; NOONAN SYNDROME-LIKE DISORDER WITHOUT JUVENILE MYELOMONOCYTIC LEUKEMIA. Identifiers: Orphanet 363972, MedGen C3150803, MONDO:0013308, OMIM 613563.
Cardiovascular phenotype. Identifiers: MedGen CN230736.
RASopathy. Also called: rasopathies; Noonan spectrum disorder. Identifiers: Orphanet 536391, MedGen C5555857, MONDO:0021060.

Allele frequency attached by ClinVar (database versions not stated): gnomAD exomes below 0.00001 and 0.00001; gnomAD 0.00001; TOPMed 0.00001.
gnomAD v4.1: 8 of 1,613,852 alleles (0.0005%); highest among the groups gnomAD compares: African/African-American, 0.0027%; no homozygotes.

Submissions (4):

Labcorp Genetics (formerly Invitae), Labcorp
Classification: Likely benign for RASopathy. Last evaluated: 2025-08-11. Review status: criteria provided, single submitter. Criteria: Invitae Variant Classification Sherloc (09022015). Collection method: clinical testing. Allele origin: germline.

Ambry Genetics
Classification: Likely benign for Cardiovascular phenotype. Last evaluated: 2023-11-26. Review status: criteria provided, single submitter. Criteria: Ambry Variant Classification Scheme 2023. Collection method: clinical testing. Allele origin: germline.

Eurofins Ntd Llc (ga)
Classification: Uncertain significance. Last evaluated: 2014-12-30. Review status: criteria provided, single submitter. Criteria: EGL Classification Definitions 2015. Collection method: clinical testing. Allele origin: germline. Observed: 1 variant allele, 1 heterozygote.

PreventionGenetics, part of Exact Sciences
Classification: Likely benign for CBL-related condition. Last evaluated: 2020-09-03. Review status: no assertion criteria provided. Collection method: clinical testing. Allele origin: germline. Not counted in ClinVar's aggregate classification.
Comment: This variant is classified as likely benign based on ACMG/AMP sequence variant interpretation guidelines (Richards et al. 2015 PMID: 25741868, with internal and published modifications).